The following is an entry in ClinVar:

NM_022356.4(P3H1):c.1342G>A (p.Glu448Lys)

Gene: P3H1 (prolyl 3-hydroxylase 1; minus strand). Cytogenetic location: 1p34.2.
Variant type: single nucleotide variant.
Coding change: c.1342G>A on transcript NM_022356.4 (MANE Select); coding-DNA position 1342, G replaced by A.
Protein change: p.Glu448Lys; replaces glutamic acid 448 with lysine.
Molecular consequence: missense variant.
Genome position (GRCh38, 1-based): chr1:42,754,872, C>T on the plus strand (G>A on the coding strand, the complement: P3H1 is on the minus strand). VCF-style: chr1-42754872-C-T. GRCh37 (hg19) VCF-style: chr1-43220543-C-T.
Other names: c.1342G>A, p.Glu448Lys (NM_001146289.2, NM_001243246.2); short protein forms E448K.
Identifiers: ClinVar variation 2066533 (VCV002066533.1), dbSNP rs369660042, ClinGen allele CA21243702.

ClinVar aggregate classification (germline): Uncertain significance (1 of 4 stars; one submission).

Conditions:
Osteogenesis imperfecta type 8 (OI8). Identifiers: MedGen C1970458, MONDO:0012581, OMIM 610915.

Allele frequency attached by ClinVar (database versions not stated): TOPMed below 0.00001; gnomAD exomes 0.00001.
gnomAD v4.1: 3 of 1,614,198 alleles (0.00019%); highest among the groups gnomAD compares: East Asian, 0.0045%; no homozygotes.

Submission:

Labcorp Genetics (formerly Invitae), Labcorp
Classification: Uncertain significance for Osteogenesis imperfecta type 8. Last evaluated: 2022-07-31. Review status: criteria provided, single submitter. Criteria: Invitae Variant Classification Sherloc (09022015). Collection method: clinical testing. Allele origin: germline.
Comment: This sequence change replaces glutamic acid, which is acidic and polar, with lysine, which is basic and polar, at codon 448 of the P3H1 protein (p.Glu448Lys). This variant is not present in population databases (gnomAD no frequency). This variant has not been reported in the literature in individuals affected with P3H1-related conditions. Algorithms developed to predict the effect of missense changes on protein structure and function (SIFT, PolyPhen-2, Align-GVGD) all suggest that this variant is likely to be tolerated. Algorithms developed to predict the effect of sequence changes on RNA splicing suggest that this variant may disrupt the consensus splice site. In summary, the available evidence is currently insufficient to determine the role of this variant in disease. Therefore, it has been classified as a Variant of Uncertain Significance.